The following is an entry in ClinVar:

ClinVar aggregate classification (germline): Uncertain significance (1 of 4 stars; one submission).

Conditions:
Noonan syndrome 9 (NS9). Identifiers: Orphanet 648, MedGen C4225282, MONDO:0014691, OMIM 616559.

Submission:

Illumina Laboratory Services, Illumina
Classification: Uncertain significance for Noonan syndrome 9. Last evaluated: 2021-10-15. Review status: criteria provided, single submitter. Criteria: ICSLVariantClassificationCriteria RUGD 01 April 2020. Collection method: clinical testing. Allele origin: unknown.
Comment: The SOS2 c.680C>A (p.Ala227Asp) variant is a missense variant. A literature search was performed for the gene, cDNA change, and amino acid change. No publications were found based on this search. This variant is not found in version 2.1.1 or version 3.1.1 of the Genome Aggregation Database despite its location in a region of good sequencing coverage, which suggests the variant is rare. Based on the limited evidence, the p.Ala227Asp variant is classified as a variant of uncertain significance for Noonan syndrome.

NM_006939.4(SOS2):c.680C>A (p.Ala227Asp)

Gene: SOS2 (SOS Ras/Rho guanine nucleotide exchange factor 2; minus strand). Cytogenetic location: 14q21.3.
Variant type: single nucleotide variant.
Coding change: c.680C>A on transcript NM_006939.4 (MANE Select); coding-DNA position 680, C replaced by A.
Protein change: p.Ala227Asp; replaces alanine 227 with aspartic acid.
Molecular consequence: missense variant.
Genome position (GRCh38, 1-based): chr14:50,188,531, G>T on the plus strand (C>A on the coding strand, the complement: SOS2 is on the minus strand). VCF-style: chr14-50188531-G-T. GRCh37 (hg19) VCF-style: chr14-50655249-G-T.
Other names: short protein forms A227D.
Identifiers: ClinVar variation 1328145 (VCV001328145.4), dbSNP rs756565236, ClinGen allele CA389647998.